The following is an entry in ClinVar:

NM_001447.3(FAT2):c.1087G>A (p.Glu363Lys)

Gene: FAT2 (FAT atypical cadherin 2; minus strand). Cytogenetic location: 5q33.1.
Variant type: single nucleotide variant.
Coding change: c.1087G>A on transcript NM_001447.3 (MANE Select); coding-DNA position 1087, G replaced by A.
Protein change: p.Glu363Lys; replaces glutamic acid 363 with lysine.
Molecular consequence: missense variant.
Genome position (GRCh38, 1-based): chr5:151,567,845, C>T on the plus strand (G>A on the coding strand, the complement: FAT2 is on the minus strand). VCF-style: chr5-151567845-C-T. GRCh37 (hg19) VCF-style: chr5-150947406-C-T.
Other names: short protein forms E363K.
Identifiers: ClinVar variation 3093092 (VCV003093092.3), dbSNP rs141148216, ClinGen allele CA3522321.
Genomic context (GRCh38, chr5:151,567,845, plus strand): 5'-TCACCACGCGGCTGCCAGGAGGGGAAAACTCACTAAGCTGCACTCTGTAAACAGCCTTCT[C>T]GAATTTGAGGGAAGACAGTTTGGAAGGTGGTAGGTGAAAGCCCCTGATCTGGGAATAAAA-3'
Protein context (NP_001438.1, residues 353-373): PPSKLSSLKF[Glu363Lys]KAVYRVQLSE

ClinVar aggregate classification (germline): Uncertain significance. Review status: criteria provided, multiple submitters, no conflicts (2 of 4 stars). 2 submissions from 2 submitters: Uncertain significance (2). Last evaluated 2024-06-28.

Allele frequency attached by ClinVar (database versions not stated): gnomAD exomes 0.00003; 1000 Genomes Project 0.00020; 1000 Genomes Project 30x 0.00031.
gnomAD v4.1: 43 of 1,614,110 alleles (0.0027%); highest among the groups gnomAD compares: Non-Finnish European, 0.0031%; no homozygotes.

Submissions (2):

Labcorp Genetics (formerly Invitae), Labcorp
Classification: Uncertain significance. Last evaluated: 2024-06-28. Review status: criteria provided, single submitter. Criteria: Invitae Variant Classification Sherloc (09022015). Collection method: clinical testing. Allele origin: germline.
Comment: This sequence change replaces glutamic acid, which is acidic and polar, with lysine, which is basic and polar, at codon 363 of the FAT2 protein (p.Glu363Lys). This variant is present in population databases (rs141148216, gnomAD 0.007%). This variant has not been reported in the literature in individuals affected with FAT2-related conditions. Advanced modeling of protein sequence and biophysical properties (such as structural, functional, and spatial information, amino acid conservation, physicochemical variation, residue mobility, and thermodynamic stability) performed at Invitae indicates that this missense variant is not expected to disrupt FAT2 protein function with a negative predictive value of 80%. In summary, the available evidence is currently insufficient to determine the role of this variant in disease. Therefore, it has been classified as a Variant of Uncertain Significance.

Ambry Genetics
Classification: Uncertain significance. Last evaluated: 2023-10-17. Review status: criteria provided, single submitter. Criteria: Ambry Variant Classification Scheme 2023. Collection method: clinical testing. Allele origin: germline.